The following is an entry in ClinVar:

NM_005228.5(EGFR):c.2841G>A (p.Met947Ile)

Gene: EGFR (epidermal growth factor receptor; plus strand). Cytogenetic location: 7p11.2.
Variant type: single nucleotide variant.
Coding change: c.2841G>A on transcript NM_005228.5 (MANE Select); coding-DNA position 2841, G replaced by A.
Protein change: p.Met947Ile; replaces methionine 947 with isoleucine.
Molecular consequence: missense variant.
Genome position (GRCh38, 1-based): chr7:55,198,856, G>A. VCF-style: chr7-55198856-G-A. GRCh37 (hg19) VCF-style: chr7-55266549-G-A.
Other names: c.2706G>A, p.Met902Ile (NM_001346897.2, NM_001346899.2); c.2841G>A, p.Met947Ile (NM_001346898.2); c.2682G>A, p.Met894Ile (NM_001346900.2); c.2040G>A, p.Met680Ile (NM_001346941.2); short protein forms M680I, M894I, M902I, M947I.
Identifiers: ClinVar variation 1716472 (VCV001716472.6), dbSNP rs1562803802, ClinGen allele CA367581489.
Genomic context (GRCh38, chr7:55,198,856, plus strand): 5'-GGAGAAAGGAGAACGCCTCCCTCAGCCACCCATATGTACCATCGATGTCTACATGATCAT[G>A]GTCAAGTGTGAGTGACTGGTGGGTCTGTCCACACTGCCTAGCTGAGCCTTGGTGGCTGCT-3'
Protein context (NP_005219.2, residues 937-957): PICTIDVYMI[Met947Ile]VKCWMIDADS

ClinVar aggregate classification (germline): Uncertain significance. Review status: criteria provided, multiple submitters, no conflicts (2 of 4 stars). 2 submissions from 2 submitters: Uncertain significance (2). Last evaluated 2025-06-25.

Conditions:
EGFR-related lung cancer (EGFR). Identifiers: MedGen CN130014.
Hereditary cancer-predisposing syndrome. Also called: Neoplastic Syndromes, Hereditary; Tumor predisposition; Hereditary Cancer Syndrome; Hereditary neoplastic syndrome. Identifiers: Orphanet 140162, MedGen C0027672, MeSH D009386, MONDO:0015356.

Submissions (2):

Ambry Genetics
Classification: Uncertain significance for Hereditary cancer-predisposing syndrome. Last evaluated: 2025-06-25. Review status: criteria provided, single submitter. Criteria: Ambry Variant Classification Scheme 2023. Collection method: clinical testing. Allele origin: germline.
Comment: The p.M947I variant (also known as c.2841G>A), located in coding exon 23 of the EGFR gene, results from a G to A substitution at nucleotide position 2841. The methionine at codon 947 is replaced by isoleucine, an amino acid with highly similar properties. This amino acid position is highly conserved in available vertebrate species. In addition, this alteration is predicted to be deleterious by in silico analysis. Based on the available evidence, the clinical significance of this variant remains unclear.

Labcorp Genetics (formerly Invitae), Labcorp
Classification: Uncertain significance for EGFR-related lung cancer. Last evaluated: 2022-07-17. Review status: criteria provided, single submitter. Criteria: Invitae Variant Classification Sherloc (09022015). Collection method: clinical testing. Allele origin: germline.
Comment: This variant is not present in population databases (gnomAD no frequency). This variant has not been reported in the literature in individuals affected with EGFR-related conditions. Algorithms developed to predict the effect of missense changes on protein structure and function are either unavailable or do not agree on the potential impact of this missense change (SIFT: "Tolerated"; PolyPhen-2: "Probably Damaging"; Align-GVGD: "Class C0"). In summary, the available evidence is currently insufficient to determine the role of this variant in disease. Therefore, it has been classified as a Variant of Uncertain Significance. This sequence change replaces methionine, which is neutral and non-polar, with isoleucine, which is neutral and non-polar, at codon 947 of the EGFR protein (p.Met947Ile).